The following is an entry in ClinVar:

NM_001164508.2(NEB):c.13081G>A (p.Glu4361Lys)

Gene: NEB (nebulin; minus strand). Cytogenetic location: 2q23.3.
Variant type: single nucleotide variant.
Coding change: c.13081G>A on transcript NM_001164508.2 (MANE Select); coding-DNA position 13081, G replaced by A.
Protein change: p.Glu4361Lys; replaces glutamic acid 4361 with lysine.
Molecular consequence: missense variant. On other transcripts: intron variant (1).
Genome position (GRCh38, 1-based): chr2:151,603,751, C>T on the plus strand (G>A on the coding strand, the complement: NEB is on the minus strand). VCF-style: chr2-151603751-C-T. GRCh37 (hg19) VCF-style: chr2-152460265-C-T.
Other names: c.13081G>A, p.Glu4361Lys (NM_001164507.2, NM_001271208.2); c.11601+6058G>A (NM_004543.5); short protein forms E4361K.
Identifiers: ClinVar variation 257730 (VCV000257730.35), dbSNP rs202017360, ClinGen allele CA1908502.
Genomic context (GRCh38, chr2:151,603,751, plus strand): 5'-TCTTCACTCTCATCACTTCCACAGAACCCTCTGGCAGCCATCCAATACCCTTCAGCCATT[C>T]CAGGTCTGACTTGTACAAGTTCTACATGAAGGAGAGGAACACAGAGTGGGGAAGAGTCAA-3'
Protein context (NP_001157980.2, residues 4351-4371): QSDNLYKSDL[Glu4361Lys]WLKGIGWLPE

ClinVar aggregate classification (germline): Conflicting classifications of pathogenicity. Review status: criteria provided, conflicting classifications (1 of 4 stars). 8 submissions from 8 submitters: Uncertain significance (1); Likely benign (4). 3 of the submissions do not count toward it. Last evaluated 2026-08-01.

Conditions:
Nemaline myopathy 2 (NEM2). Also called: Nemaline myopathy 2, autosomal recessive. Identifiers: MedGen C1850569, MONDO:0009725, OMIM 256030.

Allele frequency attached by ClinVar (database versions not stated): 1000 Genomes Project 30x 0.00156; gnomAD exomes 0.00206; gnomAD 0.00260 and 0.00261; ExAC 0.00444.

Submissions (8):

CeGaT Center for Human Genetics Tuebingen
Classification: Likely benign. Last evaluated: 2026-08-01. Review status: criteria provided, single submitter. Criteria: CeGaT Center For Human Genetics Tuebingen Variant Classification Criteria Version 2. Collection method: clinical testing. Allele origin: germline. Affected: yes. Observed: 7 variant alleles.
Comment: NEB: PP2, BP4, BS2

Blueprint Genetics
Classification: Likely benign. Last evaluated: 2024-11-07. Review status: criteria provided, single submitter. Criteria: ACMG Guidelines, 2015. Collection method: clinical testing. Allele origin: germline.

GeneDx
Classification: Likely benign. Last evaluated: 2020-12-22. Review status: criteria provided, single submitter. Criteria: GeneDx Variant Classification Process June 2021. Collection method: clinical testing. Allele origin: germline. Affected: yes.
Comment: In silico analysis, which includes protein predictors and evolutionary conservation, supports that this variant does not alter protein structure/function; Has not been previously published as pathogenic or benign to our knowledge

Labcorp Genetics (formerly Invitae), Labcorp
Classification: Uncertain significance for Nemaline myopathy 2. Last evaluated: 2017-12-15. Review status: criteria provided, single submitter. Criteria: Invitae Variant Classification Sherloc (09022015). Collection method: clinical testing. Allele origin: germline.

PreventionGenetics, part of Exact Sciences
Classification: Likely benign. Review status: criteria provided, single submitter. Criteria: ACMG Guidelines, 2015. Collection method: clinical testing. Allele origin: germline.

Natera, Inc.
Classification: Uncertain significance for Nemaline myopathy type 2. Last evaluated: 2019-11-11. Review status: no assertion criteria provided. Collection method: clinical testing. Allele origin: germline. Not counted in ClinVar's aggregate classification.

Genome Diagnostics Laboratory, University Medical Center Utrecht
Classification: Likely benign. Review status: no assertion criteria provided. Collection method: clinical testing. Allele origin: germline. Affected: yes. Study: VKGL Data-share Consensus. Not counted in ClinVar's aggregate classification.

Laboratory of Diagnostic Genome Analysis, Leiden University Medical Center (LUMC)
Classification: Likely benign. Review status: no assertion criteria provided. Collection method: clinical testing. Allele origin: germline. Affected: yes. Study: VKGL Data-share Consensus. Not counted in ClinVar's aggregate classification.